The following is an entry in ClinVar:

NM_004977.3(KCNC3):c.884C>T (p.Ala295Val)

Gene: KCNC3 (potassium voltage-gated channel subfamily C member 3; minus strand). Cytogenetic location: 19q13.33.
Variant type: single nucleotide variant.
Coding change: c.884C>T on transcript NM_004977.3 (MANE Select); coding-DNA position 884, C replaced by T.
Protein change: p.Ala295Val; replaces alanine 295 with valine.
Molecular consequence: missense variant.
Genome position (GRCh38, 1-based): chr19:50,324,069, G>A on the plus strand (C>T on the coding strand, the complement: KCNC3 is on the minus strand). VCF-style: chr19-50324069-G-A. GRCh37 (hg19) VCF-style: chr19-50827326-G-A.
Other names: c.656C>T, p.Ala219Val (NM_001372305.1); short protein forms A219V, A295V.
Identifiers: ClinVar variation 3571919 (VCV003571919.1).

ClinVar aggregate classification (germline): Uncertain significance (1 of 4 stars; one submission).

gnomAD v4.1: 4 of 1,597,182 alleles (0.00025%); highest among the groups gnomAD compares: Non-Finnish European, 0.00034%; no homozygotes.

Submission:

Athena Diagnostics
Classification: Uncertain significance. Last evaluated: 2023-12-29. Review status: criteria provided, single submitter. Criteria: Athena Diagnostics Criteria. Collection method: clinical testing. Allele origin: unknown.
Comment: Available data are insufficient to determine the clinical significance of the variant at this time. The frequency of this variant in the general population is uninformative in assessment of its pathogenicity. Computational tools predict that this variant is not damaging.

Literature cited by the submitters: PubMed 24215330.